The following is an entry in ClinVar:

ClinVar aggregate classification (germline): Uncertain significance. Review status: criteria provided, multiple submitters, no conflicts (2 of 4 stars). 3 submissions from 3 submitters: Uncertain significance (3). Last evaluated 2023-12-26.

Conditions:
Ullrich congenital muscular dystrophy 2 (UCMD2). Identifiers: Orphanet 75840, MedGen C4225314, MONDO:0014654, OMIM 616470.
Bethlem myopathy 2 (BTHLM2). Identifiers: Orphanet 536516, Orphanet 610, MedGen C4225313, MONDO:0034022, OMIM 616471.

Allele frequency attached by ClinVar (database versions not stated): gnomAD exomes below 0.00001; gnomAD 0.00001.
gnomAD v4.1: 2 of 1,614,072 alleles (0.00012%); highest among the groups gnomAD compares: Non-Finnish European, 0.00017%; no homozygotes.

Submissions (3):

GeneDx
Classification: Uncertain significance. Last evaluated: 2023-12-26. Review status: criteria provided, single submitter. Criteria: GeneDx Variant Classification Process June 2021. Collection method: clinical testing. Allele origin: germline. Affected: yes.
Comment: In silico analysis supports that this missense variant does not alter protein structure/function; Has not been previously published as pathogenic or benign to our knowledge

Labcorp Genetics (formerly Invitae), Labcorp
Classification: Uncertain significance for Bethlem myopathy 2; Ullrich congenital muscular dystrophy 2. Last evaluated: 2021-09-01. Review status: criteria provided, single submitter. Criteria: Invitae Variant Classification Sherloc (09022015). Collection method: clinical testing. Allele origin: germline.
Comment: This sequence change replaces histidine with arginine at codon 378 of the COL12A1 protein (p.His378Arg). The histidine residue is moderately conserved and there is a small physicochemical difference between histidine and arginine. This variant is not present in population databases (ExAC no frequency). This variant has not been reported in the literature in individuals affected with COL12A1-related conditions. Algorithms developed to predict the effect of missense changes on protein structure and function are either unavailable or do not agree on the potential impact of this missense change (SIFT: "Deleterious"; PolyPhen-2: "Benign"; Align-GVGD: "Class C0"). In summary, the available evidence is currently insufficient to determine the role of this variant in disease. Therefore, it has been classified as a Variant of Uncertain Significance.

Blueprint Genetics
Classification: Uncertain significance. Last evaluated: 2021-03-18. Review status: criteria provided, single submitter. Criteria: ACMG Guidelines, 2015. Collection method: clinical testing. Allele origin: germline.

NM_004370.6(COL12A1):c.1133A>G (p.His378Arg)

Gene: COL12A1 (collagen type XII alpha 1 chain; minus strand). Cytogenetic location: 6q13.
Variant type: single nucleotide variant.
Coding change: c.1133A>G on transcript NM_004370.6 (MANE Select); coding-DNA position 1133, A replaced by G.
Protein change: p.His378Arg; replaces histidine 378 with arginine.
Molecular consequence: missense variant. On other transcripts: intron variant (1).
Genome position (GRCh38, 1-based): chr6:75,184,009, T>C on the plus strand (A>G on the coding strand, the complement: COL12A1 is on the minus strand). VCF-style: chr6-75184009-T-C. GRCh37 (hg19) VCF-style: chr6-75893725-T-C.
Other names: c.73+18711A>G (NM_080645.3); short protein forms H378R.
Identifiers: ClinVar variation 966192 (VCV000966192.8), dbSNP rs1210901422, ClinGen allele CA364773496.
Genomic context (GRCh38, chr6:75,184,009, plus strand): 5'-GTGTCTGCTGAGAGGTCGCGAACACTGAGCGTGGTTGTCTGAGGCCCCACACTCAGAGCG[T>C]GCTGTCGGCTTCCTGCAGTCATTGGTGTGAGGATGACTTTGTAGCCAGTCACTGGACTAG-3'
Protein context (NP_004361.3, residues 368-388): LTPMTAGSRQ[His378Arg]ALSVGPQTTT